The following is an entry in ClinVar:

NM_000135.4(FANCA):c.1556C>G (p.Ala519Gly)

Gene: FANCA (FA complementation group A; minus strand). Cytogenetic location: 16q24.3.
Variant type: single nucleotide variant.
Coding change: c.1556C>G on transcript NM_000135.4 (MANE Select); coding-DNA position 1556, C replaced by G.
Protein change: p.Ala519Gly; replaces alanine 519 with glycine.
Molecular consequence: missense variant.
Genome position (GRCh38, 1-based): chr16:89,783,017, G>C on the plus strand (C>G on the coding strand, the complement: FANCA is on the minus strand). VCF-style: chr16-89783017-G-C. GRCh37 (hg19) VCF-style: chr16-89849425-G-C.
Other names: c.1556C>G, p.Ala519Gly (NM_001286167.3); short protein forms A519G.
Identifiers: ClinVar variation 1717784 (VCV001717784.5), dbSNP rs867005393, ClinGen allele CA397458067.

ClinVar aggregate classification (germline): Uncertain significance (1 of 4 stars; one submission).

Conditions:
Fanconi anemia (FA). Also called: Fanconi's anemia. Identifiers: Orphanet 84, MedGen C0015625, MeSH D005199, MONDO:0019391.

Allele frequency attached by ClinVar (database versions not stated): gnomAD exomes below 0.00001.
gnomAD v4.1: 1 of 1,614,034 alleles (0.000062%); highest among the groups gnomAD compares: Non-Finnish European, 0.000085%; no homozygotes.

Submission:

Labcorp Genetics (formerly Invitae), Labcorp
Classification: Uncertain significance for Fanconi anemia. Last evaluated: 2022-07-17. Review status: criteria provided, single submitter. Criteria: Invitae Variant Classification Sherloc (09022015). Collection method: clinical testing. Allele origin: germline.
Comment: This variant has not been reported in the literature in individuals affected with FANCA-related conditions. This sequence change replaces alanine, which is neutral and non-polar, with glycine, which is neutral and non-polar, at codon 519 of the FANCA protein (p.Ala519Gly). This variant is not present in population databases (gnomAD no frequency). Algorithms developed to predict the effect of missense changes on protein structure and function (SIFT, PolyPhen-2, Align-GVGD) all suggest that this variant is likely to be tolerated. In summary, the available evidence is currently insufficient to determine the role of this variant in disease. Therefore, it has been classified as a Variant of Uncertain Significance.